The following is an entry in ClinVar:

NM_000038.6(APC):c.3250_3254delinsTC (p.Asp1084_Lys1085delinsSer)

Gene: APC (APC regulator of WNT signaling pathway; plus strand). Cytogenetic location: 5q22.2.
Variant type: Indel.
Coding change: c.3250_3254delinsTC on transcript NM_000038.6 (MANE Select); coding-DNA positions 3250 to 3254, GATAA replaced by TC.
Protein change: p.Asp1084_Lys1085delinsSer.
Molecular consequence: inframe indel. On other transcripts: non-coding transcript variant (2).
Genome position (GRCh38, 1-based): chr5:112,838,844-112,838,848, GATAA replaced by TC. VCF-style: chr5-112838844-GATAA-TC. GRCh37 (hg19) VCF-style: chr5-112174541-GATAA-TC.
Other names: c.3250_3254delinsTC, p.Asp1084_Lys1085delinsSer (NM_001127510.3, NM_001354895.2, NM_001407450.1); c.3196_3200delinsTC, p.Asp1066_Lys1067delinsSer (NM_001127511.3); c.3304_3308delinsTC, p.Asp1102_Lys1103delinsSer (NM_001354896.2, NM_001407447.1, NM_001407448.1 and 1 more transcripts); c.3280_3284delinsTC, p.Asp1094_Lys1095delinsSer (NM_001354897.2); c.3175_3179delinsTC, p.Asp1059_Lys1060delinsSer (NM_001354898.2); c.3166_3170delinsTC, p.Asp1056_Lys1057delinsSer (NM_001354899.2); c.3127_3131delinsTC, p.Asp1043_Lys1044delinsSer (NM_001354900.2); c.3073_3077delinsTC, p.Asp1025_Lys1026delinsSer (NM_001354901.2, NM_001407453.1); and 11 more.
Identifiers: ClinVar variation 3368458 (VCV003368458.1).

ClinVar aggregate classification (germline): Uncertain significance (1 of 4 stars; one submission).

Submission:

GeneDx
Classification: Uncertain significance. Last evaluated: 2024-02-01. Review status: criteria provided, single submitter. Criteria: GeneDx Variant Classification Process June 2021. Collection method: clinical testing. Allele origin: germline. Affected: yes.
Comment: Not observed at significant frequency in large population cohorts (gnomAD); In-frame deletion of 2 amino acids and insertion of 1 incorrect amino acid in a non-repeat region; In silico analysis supports that this variant does not alter protein structure/function; Has not been previously published as pathogenic or benign to our knowledge; Located in the critical 15-aa repeat beta-catenin binding domain (PMID: 18199528); This variant is associated with the following publications: (PMID: 18199528)